The following is an entry in ClinVar:

ClinVar aggregate classification (germline): Benign/Likely benign. Review status: criteria provided, multiple submitters, no conflicts (2 of 4 stars). 5 submissions from 5 submitters: Benign (1); Likely benign (4). Last evaluated 2025-08-24.

Conditions:
Naxos disease (NXD). Also called: KERATOSIS PALMOPLANTARIS WITH ARRHYTHMOGENIC CARDIOMYOPATHY; MAL DE NAXOS; PALMOPLANTAR KERATODERMA WITH ARRHYTHMOGENIC RIGHT VENTRICULAR CARDIOMYOPATHY AND WOOLLY HAIR; WOOLLY HAIR, PALMOPLANTAR KERATODERMA, AND CARDIAC ABNORMALITIES; CARDIOMYOPATHY, ARRHYTHMOGENIC RIGHT VENTRICULAR, WITH SKIN, HAIR, AND NAIL ABNORMALITIES. Identifiers: Orphanet 34217, MedGen C1832600, MONDO:0011017, OMIM 601214.
Arrhythmogenic right ventricular dysplasia 12. Also called: ARRHYTHMOGENIC RIGHT VENTRICULAR DYSPLASIA, FAMILIAL, 12. Identifiers: MedGen C1969081, MONDO:0012684, OMIM 611528.
Cardiovascular phenotype. Identifiers: MedGen CN230736.

Allele frequency attached by ClinVar (database versions not stated): ExAC 0.00002; gnomAD 0.00003; gnomAD exomes 0.00003; TOPMed 0.00003.
gnomAD v4.1: 43 of 1,613,728 alleles (0.0027%); highest among the groups gnomAD compares: South Asian, 0.015%; no homozygotes.

Submissions (5):

Labcorp Genetics (formerly Invitae), Labcorp
Classification: Likely benign for Arrhythmogenic right ventricular dysplasia 12; Naxos disease. Last evaluated: 2025-08-24. Review status: criteria provided, single submitter. Criteria: Invitae Variant Classification Sherloc (09022015). Collection method: clinical testing. Allele origin: germline.

Molecular Diagnostic Laboratory for Inherited Cardiovascular Disease, Montreal Heart Institute
Classification: Likely benign. Last evaluated: 2025-04-09. Review status: criteria provided, single submitter. Criteria: ACMG Guidelines, 2015. Collection method: clinical testing. Allele origin: germline. Affected: no.

Laboratory for Molecular Medicine, Mass General Brigham Personalized Medicine
Classification: Likely benign. Last evaluated: 2017-10-10. Review status: criteria provided, single submitter. Criteria: LMM Criteria. Collection method: clinical testing. Allele origin: germline. Observed: 1 variant allele.
Comment: p.Tyr22Tyr in exon 2 of JUP: This variant is not expected to have clinical signi ficance because it does not alter an amino acid residue and it is not located wi thin the splice consensus sequence. It has been identified in 8/275726 chromoso mes by the Genome Aggregation Database (gnomAD ; dbSNP rs782575179). ACMG/AMP Criteria applied: BP4, BP7 (Richards 2015).

Ambry Genetics
Classification: Likely benign for Cardiovascular phenotype. Last evaluated: 2017-03-23. Review status: criteria provided, single submitter. Criteria: Ambry Variant Classification Scheme 2023. Collection method: clinical testing. Allele origin: germline.

GeneDx
Classification: Benign. Last evaluated: 2015-03-03. Review status: criteria provided, single submitter. Criteria: GeneDx Variant Classification Process June 2021. Collection method: clinical testing. Allele origin: germline. Affected: yes.

NM_002230.4(JUP):c.66C>T (p.Tyr22=)

Gene: JUP (junction plakoglobin; minus strand). Cytogenetic location: 17q21.2.
Variant type: single nucleotide variant.
Coding change: c.66C>T on transcript NM_002230.4 (MANE Select); coding-DNA position 66, C replaced by T.
Protein change: p.Tyr22=; no amino-acid change (tyrosine 22 retained).
Molecular consequence: synonymous variant.
Genome position (GRCh38, 1-based): chr17:41,771,789, G>A on the plus strand (C>T on the coding strand, the complement: JUP is on the minus strand). VCF-style: chr17-41771789-G-A. GRCh37 (hg19) VCF-style: chr17-39928041-G-A.
Other names: c.66C>T (NM_002230.3); c.66C>T, p.Tyr22= (NM_001352773.2, NM_001352774.2, NM_001352775.2 and 3 more transcripts).
Identifiers: ClinVar variation 468759 (VCV000468759.20), dbSNP rs782575179, ClinGen allele CA8565591.